The following is an entry in ClinVar:

NM_004990.4(MARS1):c.906_919delinsCTC (p.Gln302fs)

Gene: MARS1 (methionyl-tRNA synthetase 1; plus strand). Cytogenetic location: 12q13.3.
Variant type: Indel.
Coding change: c.906_919delinsCTC on transcript NM_004990.4 (MANE Select); coding-DNA positions 906 to 919, GTGGAACACCCTCT replaced by CTC.
Protein change: p.Gln302fs; shifts the reading frame from glutamine 302.
Molecular consequence: frameshift variant.
Genome position (GRCh38, 1-based): chr12:57,498,438-57,498,451, GTGGAACACCCTCT replaced by CTC. VCF-style: chr12-57498438-GTGGAACACCCTCT-CTC. GRCh37 (hg19) VCF-style: chr12-57892221-GTGGAACACCCTCT-CTC.
Other names: short protein forms Q302fs.
Identifiers: ClinVar variation 475434 (VCV000475434.7), dbSNP rs1555166943, ClinGen allele CA658658162.
Genomic context (GRCh38, chr12:57,498,438, plus strand): 5'-GCTGAAGCGGGGCCCCCTAGCGATCACCATATTCCCTTGCAGGTACTCTCGCCTCCGCCA[GTGGAACACCCTCT>CTC]ATCTGTGTGGGACAGATGAGTATGGTACAGCAACAGAGACCAAGGCTCTGGAGGAGGGAC-3'

ClinVar aggregate classification (germline): Conflicting classifications of pathogenicity. Review status: criteria provided, conflicting classifications (1 of 4 stars). 2 submissions from 2 submitters: Pathogenic (1); Uncertain significance (1). Last evaluated 2024-07-16.

Conditions:
Charcot-Marie-Tooth disease axonal type 2U. Also called: CHARCOT-MARIE-TOOTH NEUROPATHY, TYPE 2U; CHARCOT-MARIE-TOOTH DISEASE, AXONAL, AUTOSOMAL DOMINANT, TYPE 2U. Identifiers: Orphanet 397735, MedGen C4084821, MONDO:0014566, OMIM 616280.
Severe early-onset pulmonary alveolar proteinosis due to MARS deficiency. Also called: PULMONARY ALVEOLAR PROTEINOSIS, REUNION ISLAND; Interstitial lung and liver disease. Identifiers: Orphanet 440427, MedGen C4225400, MONDO:0014206, OMIM 615486.

Submissions (2):

Labcorp Genetics (formerly Invitae), Labcorp
Classification: Uncertain significance for Charcot-Marie-Tooth disease axonal type 2U; Severe early-onset pulmonary alveolar proteinosis due to MARS deficiency. Last evaluated: 2024-07-16. Review status: criteria provided, single submitter. Criteria: Invitae Variant Classification Sherloc (09022015). Collection method: clinical testing. Allele origin: germline.
Comment: This sequence change creates a premature translational stop signal (p.Gln302Hisfs*8) in the MARS gene. It is expected to result in an absent or disrupted protein product. However, the current clinical and genetic evidence is not sufficient to establish whether loss-of-function variants in MARS cause disease. Information on the frequency of this variant in the gnomAD database is not available, as this variant may be reported differently in the database. This variant has not been reported in the literature in individuals affected with MARS-related conditions. In summary, the available evidence is currently insufficient to determine the role of this variant in disease. Therefore, it has been classified as a Variant of Uncertain Significance.

Ambry Genetics
Classification: Pathogenic. Last evaluated: 2021-07-23. Review status: criteria provided, single submitter. Criteria: Ambry Variant Classification Scheme 2023. Collection method: clinical testing. Allele origin: germline.
Comment: The c.906_919del14insCTC pathogenic mutation, located in coding exon 9 of the MARS gene, results from the deletion of 14 nucleotides and insertion of 3 nucleotides causing a translational frameshift with a predicted alternate stop codon (p.Q302Hfs*8). This alteration is expected to result in loss of function by premature protein truncation or nonsense-mediated mRNA decay. Although biallelic loss of function alterations in MARS have been associated with interstitial lung and liver disease, haploinsufficiency for MARS has not been clearly established as a mechanism of disease for axonal Charcot-Marie-Tooth disease, type 2U (CMT2U). Based on the supporting evidence, this variant is expected to be causative of interstitial lung and liver disease when present along with a second pathogenic variant on the other allele; however, its clinical significance for CMT2U is unclear.